The following is an entry in ClinVar:

NM_000814.6(GABRB3):c.241-7433G>A

Gene: GABRB3 (gamma-aminobutyric acid type A receptor subunit beta3; minus strand). Cytogenetic location: 15q12.
Variant type: single nucleotide variant.
Coding change: c.241-7433G>A on transcript NM_000814.6 (MANE Select); 7433 bases into the intron before coding-DNA position 241, G replaced by A.
Molecular consequence: intron variant.
Genome position (GRCh38, 1-based): chr15:26,628,967, C>T on the plus strand (G>A on the coding strand, the complement: GABRB3 is on the minus strand). VCF-style: chr15-26628967-C-T. GRCh37 (hg19) VCF-style: chr15-26874114-C-T.
Other names: c.27+10G>A (NM_001191321.2, NM_001191321.3); c.241-7433G>A (NM_021912.5); c.-15-7433G>A (NM_001278631.2, NM_001191320.2).
Identifiers: ClinVar variation 4923572 (VCV004923572.2).

ClinVar aggregate classification (germline): Likely benign. Review status: criteria provided, multiple submitters, no conflicts (2 of 4 stars). 2 submissions from 2 submitters: Likely benign (2). Last evaluated 2026-06-11.

Conditions:
GABRB3-related disorder. Also called: GABRB3-related condition.

gnomAD v4.1: 67 of 1,536,100 alleles (0.0044%); highest among the groups gnomAD compares: South Asian, 0.043%; no homozygotes.

Submissions (2):

PreventionGenetics, part of Exact Sciences
Classification: Likely benign for GABRB3-related condition. Last evaluated: 2026-06-11. Review status: criteria provided, single submitter. Criteria: ACMG Guidelines, 2015. Collection method: clinical testing. Allele origin: germline.
Comment: This variant is classified as likely benign based on ACMG/AMP sequence variant interpretation guidelines (Richards et al. 2015 PMID: 25741868, with internal and published modifications).

Blueprint Genetics
Classification: Likely benign. Last evaluated: 2023-12-20. Review status: criteria provided, single submitter. Criteria: ACMG Guidelines, 2015. Collection method: clinical testing. Allele origin: germline.